The following is an entry in ClinVar:

ClinVar aggregate classification (germline): Uncertain significance (1 of 4 stars; one submission).

Conditions:
TP63-Related Spectrum Disorders.

Submission:

Labcorp Genetics (formerly Invitae), Labcorp
Classification: Uncertain significance. Last evaluated: 2023-06-30. Review status: criteria provided, single submitter. Criteria: Invitae Variant Classification Sherloc (09022015). Collection method: clinical testing. Allele origin: germline.
Comment: In summary, the available evidence is currently insufficient to determine the role of this variant in disease. Therefore, it has been classified as a Variant of Uncertain Significance. Experimental studies and prediction algorithms are not available or were not evaluated, and the functional significance of this variant is currently unknown. This sequence change replaces arginine, which is basic and polar, with tryptophan, which is neutral and slightly polar, at codon 618 of the TP63 protein (p.Arg618Trp). Information on the frequency of this variant in the gnomAD database is not available, as this variant may be reported differently in the database. This variant has not been reported in the literature in individuals affected with TP63-related conditions.

NM_003722.5(TP63):c.1851_1852delinsTT (p.Arg618Trp)

Gene: TP63 (tumor protein p63; plus strand). Cytogenetic location: 3q28.
Variant type: Indel.
Coding change: c.1851_1852delinsTT on transcript NM_003722.5 (MANE Select); coding-DNA positions 1851 to 1852, GC replaced by TT.
Protein change: p.Arg618Trp; replaces arginine 618 with tryptophan.
Molecular consequence: missense variant. On other transcripts: 3 prime UTR variant (6).
Genome position (GRCh38, 1-based): chr3:189,894,310-189,894,311, GC replaced by TT. VCF-style: chr3-189894310-GC-TT. GRCh37 (hg19) VCF-style: chr3-189612099-GC-TT.
Other names: c.1314_1315delinsTT, p.Arg439Trp (NM_001329146.2); c.1839_1840delinsTT, p.Arg614Trp (NM_001329148.2); c.*79_*80delinsTT (NM_001329149.2, NM_001329150.2, NM_001329144.2 and 1 more transcripts); c.1845_1846delinsTT, p.Arg616Trp (NM_001329964.2); c.*89_*90delinsTT (NM_001114978.2, NM_001114981.2); c.1569_1570delinsTT, p.Arg524Trp (NM_001114980.2); short protein forms R524W, R616W, R439W, R614W, R618W.
Identifiers: ClinVar variation 2733941 (VCV002733941.2), dbSNP rs2474725098, ClinGen allele CA2697557022.